The following is an entry in ClinVar:

NM_014989.7(RIMS1):c.1259C>G (p.Ser420Trp)

Gene: RIMS1 (regulating synaptic membrane exocytosis 1; plus strand). Cytogenetic location: 6q13.
Variant type: single nucleotide variant.
Coding change: c.1259C>G on transcript NM_014989.7 (MANE Select); coding-DNA position 1259, C replaced by G.
Protein change: p.Ser420Trp; replaces serine 420 with tryptophan.
Molecular consequence: missense variant.
Genome position (GRCh38, 1-based): chr6:72,182,730, C>G. VCF-style: chr6-72182730-C-G. GRCh37 (hg19) VCF-style: chr6-72892433-C-G.
Other names: c.1259C>G (NM_014989.4); short protein forms S420W.
Identifiers: ClinVar variation 3675233 (VCV003675233.3).

ClinVar aggregate classification (germline): Uncertain significance. Review status: criteria provided, multiple submitters, no conflicts (2 of 4 stars). 2 submissions from 2 submitters: Uncertain significance (2). Last evaluated 2025-11-03.

Submissions (2):

Ambry Genetics
Classification: Uncertain significance. Last evaluated: 2025-11-03. Review status: criteria provided, single submitter. Criteria: Ambry Variant Classification Scheme 2023. Collection method: clinical testing. Allele origin: germline.

Labcorp Genetics (formerly Invitae), Labcorp
Classification: Uncertain significance. Last evaluated: 2025-08-24. Review status: criteria provided, single submitter. Criteria: Invitae Variant Classification Sherloc (09022015). Collection method: clinical testing. Allele origin: germline.
Comment: This sequence change replaces serine, which is neutral and polar, with tryptophan, which is neutral and slightly polar, at codon 420 of the RIMS1 protein (p.Ser420Trp). This variant is not present in population databases (gnomAD no frequency). This variant has not been reported in the literature in individuals affected with RIMS1-related conditions. ClinVar contains an entry for this variant (Variation ID: 3675233). An algorithm developed to predict the effect of missense changes on protein structure and function (PolyPhen-2) suggests that this variant is likely to be disruptive. In summary, the available evidence is currently insufficient to determine the role of this variant in disease. Therefore, it has been classified as a Variant of Uncertain Significance.